The following is an entry in ClinVar:

NM_001375524.1(TRRAP):c.11191G>A (p.Ala3731Thr)

Gene: TRRAP (transformation/transcription domain associated protein; plus strand). Cytogenetic location: 7q22.1.
Variant type: single nucleotide variant.
Coding change: c.11191G>A on transcript NM_001375524.1 (MANE Select); coding-DNA position 11191, G replaced by A.
Protein change: p.Ala3731Thr; replaces alanine 3731 with threonine.
Molecular consequence: missense variant.
Genome position (GRCh38, 1-based): chr7:99,011,389, G>A. VCF-style: chr7-99011389-G-A. GRCh37 (hg19) VCF-style: chr7-98609012-G-A.
Other names: c.11149G>A, p.Ala3717Thr (NM_001244580.2); c.11062G>A, p.Ala3688Thr (NM_003496.4); short protein forms A3688T, A3717T, A3731T.
Identifiers: ClinVar variation 1306216 (VCV001306216.26), dbSNP rs199541716, ClinGen allele CA4362107.
Genomic context (GRCh38, chr7:99,011,389, plus strand): 5'-TCTGAAATTTAGGACACTGGCAAACTGAATGTTGCCTACTTTCGATTTGACATAAACGAC[G>A]CGACTGGAGACCTGGATGCCAACCGTCCTGTCCCATTTCGACTCACGCCCAACATTTCTG-3'
Protein context (NP_001362453.1, residues 3721-3741): VAYFRFDIND[Ala3731Thr]TGDLDANRPV

ClinVar aggregate classification (germline): Conflicting classifications of pathogenicity. Review status: criteria provided, conflicting classifications (1 of 4 stars). 4 submissions from 4 submitters: Uncertain significance (1); Benign (1); Likely benign (1). 1 of the submissions does not count toward it. Last evaluated 2026-01-21.

Conditions:
TRRAP-related disorder. Also called: TRRAP-related condition.

Allele frequency attached by ClinVar (database versions not stated): gnomAD 0.00010 and 0.00011; gnomAD exomes 0.00010 and 0.00014; ExAC 0.00013; TOPMed 0.00015.
gnomAD v4.1: 151 of 1,614,100 alleles (0.0094%); highest among the groups gnomAD compares: Non-Finnish European, 0.012%; no homozygotes.

Submissions (4):

Labcorp Genetics (formerly Invitae), Labcorp
Classification: Benign. Last evaluated: 2026-01-21. Review status: criteria provided, single submitter. Criteria: Invitae Variant Classification Sherloc (09022015). Collection method: clinical testing. Allele origin: germline.

CeGaT Center for Human Genetics Tuebingen
Classification: Likely benign. Last evaluated: 2024-07-01. Review status: criteria provided, single submitter. Criteria: CeGaT Center For Human Genetics Tuebingen Variant Classification Criteria Version 2. Collection method: clinical testing. Allele origin: germline. Affected: yes. Observed: 1 variant allele.
Comment: TRRAP: PP2, BS2

GeneDx
Classification: Uncertain significance. Last evaluated: 2019-05-28. Review status: criteria provided, single submitter. Criteria: GeneDx Variant Classification Process June 2021. Collection method: clinical testing. Allele origin: germline. Affected: yes.
Comment: In silico analysis, which includes protein predictors and evolutionary conservation, supports that this variant does not alter protein structure/function; Has not been previously published as pathogenic or benign to our knowledge

PreventionGenetics, part of Exact Sciences
Classification: Likely benign for TRRAP-related condition. Last evaluated: 2019-02-20. Review status: no assertion criteria provided. Collection method: clinical testing. Allele origin: germline. Not counted in ClinVar's aggregate classification.
Comment: This variant is classified as likely benign based on ACMG/AMP sequence variant interpretation guidelines (Richards et al. 2015 PMID: 25741868, with internal and published modifications).